The following is an entry in ClinVar:

NM_000489.6(ATRX):c.1247A>C (p.Glu416Ala)

Gene: ATRX (ATRX chromatin remodeler; minus strand). Cytogenetic location: Xq21.1.
Variant type: single nucleotide variant.
Coding change: c.1247A>C on transcript NM_000489.6 (MANE Select); coding-DNA position 1247, A replaced by C.
Protein change: p.Glu416Ala; replaces glutamic acid 416 with alanine.
Molecular consequence: missense variant.
Genome position (GRCh38, 1-based): chrX:77,684,009, T>G on the plus strand (A>C on the coding strand, the complement: ATRX is on the minus strand). VCF-style: chrX-77684009-T-G. GRCh37 (hg19) VCF-style: chrX-76939501-T-G.
Other names: c.1133A>C, p.Glu378Ala (NM_138270.5); c.1247A>C (NM_000489.3); short protein forms E378A, E416A.
Identifiers: ClinVar variation 2918917 (VCV002918917.4), dbSNP rs2071410959, ClinGen allele CA413718915.

ClinVar aggregate classification (germline): Uncertain significance. Review status: criteria provided, multiple submitters, no conflicts (2 of 4 stars). 2 submissions from 2 submitters: Uncertain significance (2). Last evaluated 2024-08-26.

Conditions:
Alpha thalassemia-X-linked intellectual disability syndrome (ATRX). Also called: ALPHA-THALASSEMIA/MENTAL RETARDATION SYNDROME, X-LINKED; ATR, NONDELETION TYPE; ATR-X syndrome; Alpha thalassemia mental retardation syndrome, nondeletion type, X-linked; XLMR hypotonic face syndrome; X-linked alpha-thalassemia-mental retardation syndrome. Identifiers: Orphanet 847, MedGen C1845055, MONDO:0010519, OMIM 301040.

Allele frequency attached by ClinVar (database versions not stated): TOPMed below 0.00001.

Submissions (2):

GeneDx
Classification: Uncertain significance. Last evaluated: 2024-08-26. Review status: criteria provided, single submitter. Criteria: GeneDx Variant Classification Process June 2021. Collection method: clinical testing. Allele origin: germline. Affected: yes.
Comment: Not observed at significant frequency in large population cohorts (gnomAD); In silico analysis supports that this missense variant has a deleterious effect on protein structure/function; Has not been previously published as pathogenic or benign to our knowledge

Labcorp Genetics (formerly Invitae), Labcorp
Classification: Uncertain significance for Alpha thalassemia-X-linked intellectual disability syndrome. Last evaluated: 2023-10-19. Review status: criteria provided, single submitter. Criteria: Invitae Variant Classification Sherloc (09022015). Collection method: clinical testing. Allele origin: germline.
Comment: This sequence change replaces glutamic acid, which is acidic and polar, with alanine, which is neutral and non-polar, at codon 416 of the ATRX protein (p.Glu416Ala). This variant is not present in population databases (gnomAD no frequency). This variant has not been reported in the literature in individuals affected with ATRX-related conditions. Advanced modeling of protein sequence and biophysical properties (such as structural, functional, and spatial information, amino acid conservation, physicochemical variation, residue mobility, and thermodynamic stability) has been performed at Invitae for this missense variant, however the output from this modeling did not meet the statistical confidence thresholds required to predict the impact of this variant on ATRX protein function. In summary, the available evidence is currently insufficient to determine the role of this variant in disease. Therefore, it has been classified as a Variant of Uncertain Significance.